The following is an entry in ClinVar:

ClinVar aggregate classification (germline): Uncertain significance (1 of 4 stars; one submission).

Allele frequency attached by ClinVar (database versions not stated): gnomAD exomes 0.00001; ExAC 0.00002.
gnomAD v4.1: 17 of 1,610,536 alleles (0.0011%); highest among the groups gnomAD compares: South Asian, 0.019%; no homozygotes.

Submission:

Women's Health and Genetics/Laboratory Corporation of America, LabCorp
Classification: Uncertain significance. Last evaluated: 2022-09-26. Review status: criteria provided, single submitter. Criteria: LabCorp Variant Classification Summary - May 2015. Collection method: clinical testing. Allele origin: germline.
Comment: Variant summary: DOCK7 c.4190-5G>T alters a non-conserved nucleotide located close to a canonical splice site and therefore could affect mRNA splicing, leading to a significantly altered protein sequence. 4/4 computational tools predict no significant impact on normal splicing. However, these predictions have yet to be confirmed by functional studies. The variant allele was found at a frequency of 1.2e-05 in 249316 control chromosomes. The available data on variant occurrences in the general population are insufficient to allow any conclusion about variant significance. To our knowledge, no occurrence of c.4190-5G>T in individuals affected with Developmental And Epileptic Encephalopathy, 23 and no experimental evidence demonstrating its impact on protein function have been reported. No clinical diagnostic laboratories have submitted clinical-significance assessments for this variant to ClinVar after 2014. Based on the evidence outlined above, the variant was classified as uncertain significance.

NM_001367561.1(DOCK7):c.4283-5G>T

Gene: DOCK7 (dedicator of cytokinesis 7; minus strand). Cytogenetic location: 1p31.3.
Variant type: single nucleotide variant.
Coding change: c.4283-5G>T on transcript NM_001367561.1 (MANE Select); 5 bases into the intron before coding-DNA position 4283, G replaced by T.
Molecular consequence: intron variant.
Genome position (GRCh38, 1-based): chr1:62,510,678, C>A on the plus strand (G>T on the coding strand, the complement: DOCK7 is on the minus strand). VCF-style: chr1-62510678-C-A. GRCh37 (hg19) VCF-style: chr1-62976349-C-A.
Other names: c.4163-5G>T (NM_001272001.2, NM_001272000.2); c.4190-5G>T (NM_033407.4); c.4256-5G>T (NM_001271999.2, NM_001330614.2).
Identifiers: ClinVar variation 1722467 (VCV001722467.1), dbSNP rs767408648, ClinGen allele CA885738.
Genomic context (GRCh38, chr1:62,510,678, plus strand): 5'-TTTCCTCCACCTCAAATTTTCTTGACTTCCAAAGGCACTTCCAGATGGGCTTCTCTCTGT[C>A]AAATAAATTTCAAAACCAATTTTCAAATGTTATTTCAGTTGGACCACATATATGTATACT-3'